The following is an entry in ClinVar:

ClinVar aggregate classification (germline): Uncertain significance (1 of 4 stars; one submission).

Submission:

Labcorp Genetics (formerly Invitae), Labcorp
Classification: Uncertain significance. Last evaluated: 2023-01-05. Review status: criteria provided, single submitter. Criteria: Invitae Variant Classification Sherloc (09022015). Collection method: clinical testing. Allele origin: germline.
Comment: In summary, the available evidence is currently insufficient to determine the role of this variant in disease. Therefore, it has been classified as a Variant of Uncertain Significance. This variant has not been reported in the literature in individuals affected with NIN-related conditions. This variant is present in population databases (no rsID available, gnomAD 0.004%). This sequence change creates a premature translational stop signal (p.Leu1438Profs*29) in the NIN gene. It is expected to result in an absent or disrupted protein product. However, the current clinical and genetic evidence is not sufficient to establish whether loss-of-function variants in NIN cause disease.

NM_020921.4(NIN):c.4312dup (p.Leu1438fs)

Gene: NIN (ninein; minus strand). Cytogenetic location: 14q22.1.
Variant type: Duplication.
Coding change: c.4312dup on transcript NM_020921.4 (MANE Select); coding-DNA position 4312, one base duplicated (C; older notation c.4312dupC).
Protein change: p.Leu1438fs; shifts the reading frame from leucine 1438.
Molecular consequence: frameshift variant. On other transcripts: intron variant (1).
Genome position (GRCh38, 1-based): chr14:50,756,718, G duplicated on the plus strand (C on the coding strand, the reverse complement: NIN is on the minus strand); the first of 2 consecutive G bases (chr14:50,756,718-50,756,719); duplicating either gives the same sequence. VCF-style (leftmost placement, unchanged base first): chr14-50756717-A-AG. GRCh37 (hg19) VCF-style: chr14-51223435-A-AG.
Other names: c.4312dup, p.Leu1438fs (NM_182944.3, NM_182946.2); c.2400-1851dup (NM_016350.5); short protein forms L1438fs.
Identifiers: ClinVar variation 1905781 (VCV001905781.5), dbSNP rs1322353642, ClinGen allele CA614274920.